The following is an entry in ClinVar:

ClinVar aggregate classification (germline): Pathogenic. Review status: criteria provided, multiple submitters, no conflicts (2 of 4 stars). 2 submissions from 2 submitters: Pathogenic (2). Last evaluated 2022-03-11.

Conditions:
Autosomal recessive limb-girdle muscular dystrophy type 2C (LGMDR5). Also called: MUSCULAR DYSTROPHY, LIMB-GIRDLE, AUTOSOMAL RECESSIVE 5; MUSCULAR DYSTROPHY, DUCHENNE-LIKE. Identifiers: Orphanet 353, MedGen C0410173, MONDO:0009677, OMIM 253700. Disease mechanism: Affects gamma-sarcoglycan and also disrupts the integrity of the entire sarcoglycan complex..

Allele frequency attached by ClinVar (database versions not stated): gnomAD exomes below 0.00001 and 0.00001.

Submissions (2):

Labcorp Genetics (formerly Invitae), Labcorp
Classification: Pathogenic for Autosomal recessive limb-girdle muscular dystrophy type 2C. Last evaluated: 2022-03-11. Review status: criteria provided, single submitter. Criteria: Invitae Variant Classification Sherloc (09022015). Collection method: clinical testing. Allele origin: germline.
Comment: For these reasons, this variant has been classified as Pathogenic. This variant disrupts the p.Cys283 amino acid residue in SGCG. Other variant(s) that disrupt this residue have been determined to be pathogenic (PMID: 8968757, 9781048, 22095924). This suggests that this residue is clinically significant, and that variants that disrupt this residue are likely to be disease-causing. ClinVar contains an entry for this variant (Variation ID: 283952). This premature translational stop signal has been observed in individual(s) with clinical features of SGCG-related conditions (Invitae). In at least one individual the data is consistent with being in trans (on the opposite chromosome) from a pathogenic variant. This variant is present in population databases (no rsID available, gnomAD 0.006%). This sequence change creates a premature translational stop signal (p.Thr251Serfs*29) in the SGCG gene. While this is not anticipated to result in nonsense mediated decay, it is expected to disrupt the last 41 amino acid(s) of the SGCG protein.

Eurofins Ntd Llc (ga)
Classification: Pathogenic. Last evaluated: 2015-10-22. Review status: criteria provided, single submitter. Criteria: EGL Classification Definitions 2015. Collection method: clinical testing. Allele origin: germline. Observed: 2 variant alleles, 2 homozygotes.

Literature cited by the submitters: PubMed 8968757 (cited by Labcorp Genetics (formerly Invitae), Labcorp); PubMed 9781048 (cited by Labcorp Genetics (formerly Invitae), Labcorp); PubMed 22095924 (cited by Labcorp Genetics (formerly Invitae), Labcorp).

NM_000231.3(SGCG):c.752del (p.Thr251fs)

Gene: SGCG (sarcoglycan gamma; plus strand). Cytogenetic location: 13q12.12.
Variant type: Deletion.
Coding change: c.752del on transcript NM_000231.3 (MANE Select); coding-DNA position 752, one base deleted (C; older notation c.752delC).
Protein change: p.Thr251fs; shifts the reading frame from threonine 251.
Molecular consequence: frameshift variant.
Genome position (GRCh38, 1-based): chr13:23,324,417, C deleted. VCF-style (leftmost placement, unchanged base first): chr13-23324416-AC-A. GRCh37 (hg19) VCF-style: chr13-23898555-AC-A.
Other names: c.752delC (NM_000231.2); c.806del, p.Thr269fs (NM_001378244.1); c.752del, p.Thr251fs (NM_001378245.1, NM_001378246.1); short protein forms T251fs, T269fs.
Identifiers: ClinVar variation 283952 (VCV000283952.15), dbSNP rs886042749, ClinGen allele CA10604637.